The following is an entry in ClinVar:

NM_000138.5(FBN1):c.7617C>T (p.Gly2539=)

Gene: FBN1 (fibrillin 1; minus strand). Cytogenetic location: 15q21.1.
Variant type: single nucleotide variant.
Coding change: c.7617C>T on transcript NM_000138.5 (MANE Select); coding-DNA position 7617, C replaced by T.
Protein change: p.Gly2539=; no amino-acid change (glycine 2539 retained).
Molecular consequence: synonymous variant.
Genome position (GRCh38, 1-based): chr15:48,421,640, G>A on the plus strand (C>T on the coding strand, the complement: FBN1 is on the minus strand). VCF-style: chr15-48421640-G-A. GRCh37 (hg19) VCF-style: chr15-48713837-G-A.
Identifiers: ClinVar variation 519744 (VCV000519744.17), dbSNP rs1388794275, ClinGen allele CA490015699.

ClinVar aggregate classification (germline): Conflicting classifications of pathogenicity. Review status: criteria provided, conflicting classifications (1 of 4 stars). 5 submissions from 5 submitters: Uncertain significance (1); Likely benign (4). Last evaluated 2025-08-31.

Conditions:
Familial thoracic aortic aneurysm and aortic dissection (TAAD). Also called: Thoracic aortic aneurysms and dissections. Identifiers: Orphanet 91387, MedGen C4707243, MONDO:0019625.
Marfan syndrome (MFS). Also called: Marfan syndrome type 1; Marfan syndrome, classic; Marfan's syndrome; FBN1-Related Marfan Syndrome; MARFAN SYNDROME, TYPE I. Identifiers: Orphanet 284963, Orphanet 558, MedGen C0024796, MONDO:0007947, OMIM 154700.

Allele frequency attached by ClinVar (database versions not stated): TOPMed 0.00001; gnomAD 0.00001.
gnomAD v4.1: 7 of 1,613,774 alleles (0.00043%); highest among the groups gnomAD compares: Non-Finnish European, 0.00059%; no homozygotes.

Submissions (5):

Labcorp Genetics (formerly Invitae), Labcorp
Classification: Likely benign for Marfan syndrome; Familial thoracic aortic aneurysm and aortic dissection. Last evaluated: 2025-08-31. Review status: criteria provided, single submitter. Criteria: Invitae Variant Classification Sherloc (09022015). Collection method: clinical testing. Allele origin: germline.

All of Us Research Program, National Institutes of Health
Classification: Likely benign for Marfan syndrome. Last evaluated: 2023-11-02. Review status: criteria provided, single submitter. Criteria: ACMG Guidelines, 2015. Collection method: clinical testing. Allele origin: germline. Inheritance: Autosomal dominant inheritance. Observed: 2 variant alleles, 2 heterozygotes.
Comment: This study involves interpretation of variants in research participants for the purpose of population health screening. Participant phenotype was not available at the time of variant classification. Additional details can be found in publication PMID: 35346344, PMCID: PMC8962531

Color Diagnostics, LLC DBA Color Health
Classification: Likely benign for Familial thoracic aortic aneurysm and aortic dissection. Last evaluated: 2019-03-07. Review status: criteria provided, single submitter. Criteria: ACMG Guidelines, 2015. Collection method: clinical testing. Allele origin: germline.

ARUP Laboratories, Molecular Genetics and Genomics, ARUP Laboratories
Classification: Uncertain significance. Last evaluated: 2017-10-11. Review status: criteria provided, single submitter. Criteria: ARUP Molecular Germline Variant Investigation Process. Collection method: clinical testing. Allele origin: germline.

Ambry Genetics
Classification: Likely benign for Familial thoracic aortic aneurysm and aortic dissection. Last evaluated: 2016-10-26. Review status: criteria provided, single submitter. Criteria: Ambry Variant Classification Scheme 2023. Collection method: clinical testing. Allele origin: germline.